The following is an entry in ClinVar:

NM_019616.4(F7):c.1099T>G (p.Cys367Gly)

Gene: F7 (coagulation factor VII; plus strand). Cytogenetic location: 13q34.
Variant type: single nucleotide variant.
Coding change: c.1099T>G on transcript NM_019616.4 (MANE Select); coding-DNA position 1099, T replaced by G.
Protein change: p.Cys367Gly; replaces cysteine 367 with glycine.
Molecular consequence: missense variant. On other transcripts: non-coding transcript variant (1).
Genome position (GRCh38, 1-based): chr13:113,118,772, T>G. VCF-style: chr13-113118772-T-G. GRCh37 (hg19) VCF-style: chr13-113773086-T-G.
Other names: F7, CYS329GLY; C329G; c.1165T>G, p.Cys389Gly (NM_000131.5); c.913T>G, p.Cys305Gly (NM_001267554.2); short protein forms C389G, C367G, C305G.
Identifiers: ClinVar variation 12085 (VCV000012085.5), dbSNP rs121964934, ClinGen allele CA121860.

ClinVar aggregate classification (germline): Pathogenic/Likely pathogenic. Review status: criteria provided, multiple submitters, no conflicts (2 of 4 stars). 4 submissions from 4 submitters: Pathogenic (1); Likely pathogenic (2). 1 of the submissions does not count toward it. Last evaluated 2024-06-18.

Conditions:
Myocardial infarction, susceptibility to. Identifiers: MedGen C1832662, MONDO:0012039, OMIM 608446.
Congenital factor VII deficiency. Identifiers: Orphanet 327, MedGen C0272320, MONDO:0009211, OMIM 227500.
Factor VII deficiency. Also called: F7 DEFICIENCY; HYPOPROCONVERTINEMIA; Factor 7 deficiency. Identifiers: MedGen C0015503, MeSH D005168, MONDO:0002244.

gnomAD v4.1: 5 of 1,613,260 alleles (0.00031%); highest among the groups gnomAD compares: East Asian, 0.011%; no homozygotes.

Submissions (4):

Fulgent Genetics
Classification: Likely pathogenic for Congenital factor VII deficiency; Myocardial infarction, susceptibility to. Last evaluated: 2024-06-18. Review status: criteria provided, single submitter. Criteria: ACMG Guidelines, 2015. Collection method: clinical testing. Allele origin: germline.

Women's Health and Genetics/Laboratory Corporation of America, LabCorp
Classification: Pathogenic for Congenital factor VII deficiency. Last evaluated: 2024-06-17. Review status: criteria provided, single submitter. Criteria: LabCorp Variant Classification Summary - May 2015. Collection method: clinical testing. Allele origin: germline.
Comment: Variant summary: F7 c.1165T>G (p.Cys389Gly) results in a non-conservative amino acid change located in the Serine proteases, trypsin domain (IPR001254) of the encoded protein sequence. Five of five in-silico tools predict a damaging effect of the variant on protein function. The variant allele was found at a frequency of 4e-05 in 249480 control chromosomes (gnomAD). This frequency is not significantly higher than estimated for a pathogenic variant in F7 causing Congenital factor VII deficiency, allowing no conclusion about variant significance. c.1165T>G has been reported in the literature in multiple individuals affected with Congenital factor VII deficiency (e.g. Yu_2009, Kwon_2011). These data indicate that the variant is very likely to be associated with disease. The following publications have been ascertained in the context of this evaluation (PMID: 19601987, 21206266). ClinVar contains an entry for this variant (Variation ID: 12085). Based on the evidence outlined above, the variant was classified as pathogenic.

Juno Genomics, Hangzhou Juno Genomics, Inc
Classification: Likely pathogenic for Congenital factor VII deficiency. Review status: criteria provided, single submitter. Criteria: ACMG Guidelines, 2015. Collection method: clinical testing. Allele origin: germline. Affected: yes.
Comment: Absent from controls (or at extremely low frequency if recessive) in Genome Aggregation Database, Exome Sequencing Project, 1000 Genomes Project, or Exome Aggregation Consortium.;Multiple lines of computational evidence support a deleterious effect on the gene or gene product (conservation, evolutionary, splicing impact, etc).;For recessive disorders, detected in trans with a pathogenic variant.;Patient's phenotype or family history is highly specific for a disease with a single genetic etiology.

OMIM
Classification: Pathogenic for FACTOR VII DEFICIENCY. Last evaluated: 2000-10-01. Review status: no assertion criteria provided. Collection method: literature only. Allele origin: germline. Not counted in ClinVar's aggregate classification.

Literature cited by the submitters: PubMed 21206266 (cited by Women's Health and Genetics/Laboratory Corporation of America, LabCorp); PubMed 19601987 (cited by Women's Health and Genetics/Laboratory Corporation of America, LabCorp); PubMed 11091194 (cited by OMIM).